The following is an entry in ClinVar:

ClinVar aggregate classification (germline): Uncertain significance (1 of 4 stars; one submission).

Conditions:
Multiple gastrointestinal atresias. Also called: FAMILIAL INTESTINAL POLYATRESIA SYNDROME; Multiple intestinal atresia. Identifiers: Orphanet 2300, MedGen C0220744, MONDO:0009465.

gnomAD v4.1: 1 of 1,609,900 alleles (0.000062%); highest among the groups gnomAD compares: African/African-American, 0.0013%; no homozygotes.

Submission:

Labcorp Genetics (formerly Invitae), Labcorp
Classification: Uncertain significance for Multiple gastrointestinal atresias. Last evaluated: 2021-03-20. Review status: criteria provided, single submitter. Criteria: Invitae Variant Classification Sherloc (09022015). Collection method: clinical testing. Allele origin: germline.
Comment: This sequence change replaces alanine with serine at codon 455 of the TTC7A protein (p.Ala455Ser). The alanine residue is moderately conserved and there is a moderate physicochemical difference between alanine and serine. This variant is not present in population databases (ExAC no frequency). This variant has not been reported in the literature in individuals with TTC7A-related conditions. Algorithms developed to predict the effect of missense changes on protein structure and function are either unavailable or do not agree on the potential impact of this missense change (SIFT: "Tolerated"; PolyPhen-2: "Probably Damaging"; Align-GVGD: "Class C0"). In summary, the available evidence is currently insufficient to determine the role of this variant in disease. Therefore, it has been classified as a Variant of Uncertain Significance.

NM_020458.4(TTC7A):c.1363G>T (p.Ala455Ser)

Gene: TTC7A (tetratricopeptide repeat domain 7A; plus strand). Cytogenetic location: 2p21.
Variant type: single nucleotide variant.
Coding change: c.1363G>T on transcript NM_020458.4 (MANE Select); coding-DNA position 1363, G replaced by T.
Protein change: p.Ala455Ser; replaces alanine 455 with serine.
Molecular consequence: missense variant.
Genome position (GRCh38, 1-based): chr2:47,011,406, G>T. VCF-style: chr2-47011406-G-T. GRCh37 (hg19) VCF-style: chr2-47238545-G-T.
Other names: c.1363G>T, p.Ala455Ser (NM_001288951.2); c.1261G>T, p.Ala421Ser (NM_001288953.2); c.301G>T, p.Ala101Ser (NM_001288955.2); short protein forms A455S, A101S, A421S.
Identifiers: ClinVar variation 1505486 (VCV001505486.8), dbSNP rs147112070, ClinGen allele CA346715430.